The following is an entry in ClinVar:

ClinVar aggregate classification (germline): Uncertain significance (0 of 4 stars; one submission).

Conditions:
LEPR-related disorder. Also called: LEPR-related condition; LEPR-related disorders.

gnomAD v4.1: 1 of 1,613,336 alleles (0.000062%); highest among the groups gnomAD compares: Non-Finnish European, 0.000085%; no homozygotes.

Submission:

PreventionGenetics, part of Exact Sciences
Classification: Uncertain significance for LEPR-related condition. Last evaluated: 2024-09-11. Review status: no assertion criteria provided. Collection method: clinical testing. Allele origin: germline.
Comment: The LEPR c.3487C>G variant is predicted to result in the amino acid substitution p.Leu1163Val. To our knowledge, this variant has not been reported in the literature or in a large population database, indicating this variant is rare. This variant was observed in a cohort of individuals with obesity, and in vitro functional studies showed inconclusive evidence of loss of function (Supplemental Data Set, Shah et al. 2023. PubMed ID: 36864747). At this time, the clinical significance of this variant is uncertain due to the absence of conclusive functional and genetic evidence.

NM_002303.6(LEPR):c.3487C>G (p.Leu1163Val)

Gene: LEPR (leptin receptor; plus strand). Cytogenetic location: 1p31.3.
Variant type: single nucleotide variant.
Coding change: c.3487C>G on transcript NM_002303.6 (MANE Select); coding-DNA position 3487, C replaced by G.
Protein change: p.Leu1163Val; replaces leucine 1163 with valine.
Molecular consequence: missense variant.
Genome position (GRCh38, 1-based): chr1:65,637,004, C>G. VCF-style: chr1-65637004-C-G. GRCh37 (hg19) VCF-style: chr1-66102687-C-G.
Other names: short protein forms L1163V.
Identifiers: ClinVar variation 3349492 (VCV003349492.1).